The following is an entry in ClinVar:

NM_018121.4(SLF2):c.2042+100G>A

Gene: SLF2 (SMC5/6 complex localization factor 2; plus strand). Cytogenetic location: 10q24.31.
Variant type: single nucleotide variant.
Coding change: c.2042+100G>A on transcript NM_018121.4 (MANE Select); 100 bases into the intron after coding-DNA position 2042, G replaced by A.
Molecular consequence: intron variant.
Genome position (GRCh38, 1-based): chr10:100,926,119, G>A. VCF-style: chr10-100926119-G-A. GRCh37 (hg19) VCF-style: chr10-102685876-G-A.
Other names: c.2042+100G>A (NM_001136123.2).
Identifiers: ClinVar variation 3904936 (VCV003904936.10).
Genomic context (GRCh38, chr10:100,926,119, plus strand): 5'-TTGCTTGTTTGTGTGGCTTACTTTTAATTTACCTTTTTTAAAAAATCATGAGAAATTAGC[G>A]TGCATTTTGGACTCTGTTGTCAACTGTGTTAGAATAAGATATGTTGGCCGGACGCAGTGG-3'

ClinVar aggregate classification (germline): Likely benign (1 of 4 stars; one submission).

gnomAD v4.1: 3,907 of 1,591,724 alleles (0.25%); highest among the groups gnomAD compares: Middle Eastern, 0.65%; 6 homozygotes.

Submission:

CeGaT Center for Human Genetics Tuebingen
Classification: Likely benign. Last evaluated: 2026-01-01. Review status: criteria provided, single submitter. Criteria: CeGaT Center For Human Genetics Tuebingen Variant Classification Criteria Version 2. Collection method: clinical testing. Allele origin: germline. Affected: yes. Observed: 7 variant alleles.
Comment: SLF2: BP4, BP7